The following is an entry in ClinVar:

NM_004171.4(SLC1A2):c.925G>A (p.Val309Ile)

Gene: SLC1A2 (solute carrier family 1 member 2; minus strand). Cytogenetic location: 11p13.
Variant type: single nucleotide variant.
Coding change: c.925G>A on transcript NM_004171.4 (MANE Select); coding-DNA position 925, G replaced by A.
Protein change: p.Val309Ile; replaces valine 309 with isoleucine.
Molecular consequence: missense variant.
Genome position (GRCh38, 1-based): chr11:35,292,453, C>T on the plus strand (G>A on the coding strand, the complement: SLC1A2 is on the minus strand). VCF-style: chr11-35292453-C-T. GRCh37 (hg19) VCF-style: chr11-35314000-C-T.
Other names: c.898G>A, p.Val300Ile (NM_001195728.3, NM_001252652.2); short protein forms V300I, V309I.
Identifiers: ClinVar variation 3605009 (VCV003605009.2).
Genomic context (GRCh38, chr11:35,292,453, plus strand): 5'-CCCCGTGGATGATGAGGCCTATGATCACTGTTACCATGTACATCCCCAGTTGCCTAGCAA[C>T]CACTTCTAAGTCCTTGATTGCAATGATCTTTCCACAGATCAGGCAGGCGATACCCAGGGG-3'
Protein context (NP_004162.2, residues 299-319): KIIAIKDLEV[Val309Ile]ARQLGMYMVT

ClinVar aggregate classification (germline): Uncertain significance (1 of 4 stars; one submission).

Submission:

Labcorp Genetics (formerly Invitae), Labcorp
Classification: Uncertain significance. Last evaluated: 2024-07-15. Review status: criteria provided, single submitter. Criteria: Invitae Variant Classification Sherloc (09022015). Collection method: clinical testing. Allele origin: germline.
Comment: This sequence change replaces valine, which is neutral and non-polar, with isoleucine, which is neutral and non-polar, at codon 309 of the SLC1A2 protein (p.Val309Ile). This variant is not present in population databases (gnomAD no frequency). This variant has not been reported in the literature in individuals affected with SLC1A2-related conditions. Advanced modeling of protein sequence and biophysical properties (such as structural, functional, and spatial information, amino acid conservation, physicochemical variation, residue mobility, and thermodynamic stability) performed at Invitae indicates that this missense variant is not expected to disrupt SLC1A2 protein function with a negative predictive value of 80%. In summary, the available evidence is currently insufficient to determine the role of this variant in disease. Therefore, it has been classified as a Variant of Uncertain Significance.